The following is an entry in ClinVar:

ClinVar aggregate classification (germline): Likely benign. Review status: criteria provided, multiple submitters, no conflicts (2 of 4 stars). 4 submissions from 4 submitters: Likely benign (4). Last evaluated 2025-08-24.

Conditions:
Inborn genetic diseases. Identifiers: MedGen C0950123, MeSH D030342.
Intellectual developmental disorder, autosomal dominant 43. Also called: Intellectual disability, autosomal dominant 43. Identifiers: MedGen C4707429, MONDO:0014858, OMIM 616977.

Allele frequency attached by ClinVar (database versions not stated): ExAC 0.00005; gnomAD 0.00007; TOPMed 0.00008; ESP Exome Variant Server 0.00016.
gnomAD v4.1: 223 of 1,613,886 alleles (0.014%); highest among the groups gnomAD compares: Non-Finnish European, 0.017%; no homozygotes.

Submissions (4):

Labcorp Genetics (formerly Invitae), Labcorp
Classification: Likely benign. Last evaluated: 2025-08-24. Review status: criteria provided, single submitter. Criteria: Invitae Variant Classification Sherloc (09022015). Collection method: clinical testing. Allele origin: germline.

Women's Health and Genetics/Laboratory Corporation of America, LabCorp
Classification: Likely benign. Last evaluated: 2025-05-21. Review status: criteria provided, single submitter. Criteria: LabCorp Variant Classification Summary - May 2015. Collection method: clinical testing. Allele origin: germline.
Comment: Variant summary: HIVEP2 c.4807C>T (p.Arg1603Trp) results in a non-conservative amino acid change in the encoded protein sequence. Algorithms developed to predict the effect of missense changes on protein structure and function are either unavailable or do not agree on the potential impact of this missense change. The variant allele was found at a frequency of 0.00014 in 1606890 control chromosomes (i.e. in 223 carriers) in the gnomAD database (v4.1 dataset). The occurrence in several carriers suggests that this variant is likely not associated with a high penetrance, severe, early onset disease phenotype in heterozygous state. To our knowledge, no occurrence of c.4807C>T in individuals affected with Intellectual Disability, Autosomal Dominant 43 and no experimental evidence demonstrating its impact on protein function have been reported. ClinVar contains an entry for this variant (Variation ID: 2170021). Based on the evidence outlined above, the variant was classified as likely benign.

Department of Pathology and Laboratory Medicine, Sinai Health System
Classification: Likely benign for Intellectual developmental disorder, autosomal dominant 43. Last evaluated: 2021-07-30. Review status: criteria provided, single submitter. Criteria: ACMG Guidelines, 2015. Collection method: research. Allele origin: germline.

Ambry Genetics
Classification: Likely benign for Inborn genetic diseases. Last evaluated: 2021-06-16. Review status: criteria provided, single submitter. Criteria: Ambry Variant Classification Scheme 2023. Collection method: clinical testing. Allele origin: germline.

NM_006734.4(HIVEP2):c.4807C>T (p.Arg1603Trp)

Gene: HIVEP2 (HIVEP zinc finger 2; minus strand). Cytogenetic location: 6q24.2.
Variant type: single nucleotide variant.
Coding change: c.4807C>T on transcript NM_006734.4 (MANE Select); coding-DNA position 4807, C replaced by T.
Protein change: p.Arg1603Trp; replaces arginine 1603 with tryptophan.
Molecular consequence: missense variant.
Genome position (GRCh38, 1-based): chr6:142,769,932, G>A on the plus strand (C>T on the coding strand, the complement: HIVEP2 is on the minus strand). VCF-style: chr6-142769932-G-A. GRCh37 (hg19) VCF-style: chr6-143091069-G-A.
Other names: c.4807C>T (NM_006734.3); short protein forms R1603W.
Identifiers: ClinVar variation 2170021 (VCV002170021.7), dbSNP rs367885572, ClinGen allele CA4028005.